The following is an entry in ClinVar:

ClinVar aggregate classification (germline): Uncertain significance (1 of 4 stars; one submission).

Conditions:
Hyperphosphatasia with impaired intellectual development syndrome 2. Also called: Hyperphosphatasia with intellectual disability syndrome 2; GLYCOSYLPHOSPHATIDYLINOSITOL BIOSYNTHESIS DEFECT 6. Identifiers: Orphanet 247262, MedGen C3553637, MONDO:0013882, OMIM 614749.

Allele frequency attached by ClinVar (database versions not stated): gnomAD exomes 0.00004.
gnomAD v4.1: 23 of 1,614,126 alleles (0.0014%); highest among the groups gnomAD compares: Middle Eastern, 0.36%; no homozygotes.

Submission:

Labcorp Genetics (formerly Invitae), Labcorp
Classification: Uncertain significance for Hyperphosphatasia with mental retardation syndrome 2. Last evaluated: 2019-08-30. Review status: criteria provided, single submitter. Criteria: Invitae Variant Classification Sherloc (09022015). Collection method: clinical testing. Allele origin: germline.
Comment: This sequence change replaces isoleucine with valine at codon 504 of the PIGO protein (p.Ile504Val). The isoleucine residue is weakly conserved and there is a small physicochemical difference between isoleucine and valine. This variant is not present in population databases (ExAC no frequency). This variant has not been reported in the literature in individuals with PIGO-related conditions. Algorithms developed to predict the effect of missense changes on protein structure and function (SIFT, PolyPhen-2, Align-GVGD) all suggest that this variant is likely to be tolerated, but these predictions have not been confirmed by published functional studies and their clinical significance is uncertain. In summary, the available evidence is currently insufficient to determine the role of this variant in disease. Therefore, it has been classified as a Variant of Uncertain Significance.

NM_032634.4(PIGO):c.1510A>G (p.Ile504Val)

Gene: PIGO (phosphatidylinositol glycan anchor biosynthesis class O; minus strand). Cytogenetic location: 9p13.3.
Variant type: single nucleotide variant.
Coding change: c.1510A>G on transcript NM_032634.4 (MANE Select); coding-DNA position 1510, A replaced by G.
Protein change: p.Ile504Val; replaces isoleucine 504 with valine.
Molecular consequence: missense variant. On other transcripts: intron variant (2).
Genome position (GRCh38, 1-based): chr9:35,092,377, T>C on the plus strand (A>G on the coding strand, the complement: PIGO is on the minus strand). VCF-style: chr9-35092377-T-C. GRCh37 (hg19) VCF-style: chr9-35092374-T-C.
Other names: c.1344+166A>G (NM_152850.4, NM_001201484.2); short protein forms I504V.
Identifiers: ClinVar variation 963829 (VCV000963829.1), dbSNP rs868736867, ClinGen allele CA192711635.